The following is an entry in ClinVar:

ClinVar aggregate classification (germline): Likely benign (1 of 4 stars; one submission).

Allele frequency attached by ClinVar (database versions not stated): 1000 Genomes Project 0.00240; 1000 Genomes Project 30x 0.00250; gnomAD 0.00281 and 0.00307; TOPMed 0.00314.
gnomAD v4.1: 424 of 152,346 alleles (0.28%); highest among the groups gnomAD compares: African/African-American, 0.96%; 5 homozygotes.

Submission:

GeneDx
Classification: Likely benign. Last evaluated: 2018-06-18. Review status: criteria provided, single submitter. Criteria: GeneDx Variant Classification (06012015). Collection method: clinical testing. Allele origin: germline. Affected: yes.
Comment: This variant is considered likely benign or benign based on one or more of the following criteria: it is a conservative change, it occurs at a poorly conserved position in the protein, it is predicted to be benign by multiple in silico algorithms, and/or has population frequency not consistent with disease.

NM_003072.5(SMARCA4):c.1419+203G>A

Gene: SMARCA4 (SWI/SNF related BAF chromatin remodeling complex subunit ATPase 4; plus strand). Cytogenetic location: 19p13.2.
Variant type: single nucleotide variant.
Coding change: c.1419+203G>A on transcript NM_003072.5 (MANE Select); 203 bases into the intron after coding-DNA position 1419, G replaced by A.
Molecular consequence: intron variant.
Genome position (GRCh38, 1-based): chr19:10,991,526, G>A. VCF-style: chr19-10991526-G-A. GRCh37 (hg19) VCF-style: chr19-11102202-G-A.
Other names: c.1419+203G>A (NM_001128844.3, NM_001128849.3, NM_001128847.4 and 5 more transcripts).
Identifiers: ClinVar variation 677864 (VCV000677864.1), dbSNP rs147861246, ClinGen allele CA305289380.